The following is an entry in ClinVar:

ClinVar aggregate classification (germline): Uncertain significance (1 of 4 stars; one submission).

Conditions:
Cardiovascular phenotype. Identifiers: MedGen CN230736.

Submission:

Ambry Genetics
Classification: Uncertain significance for Cardiovascular phenotype. Last evaluated: 2017-07-25. Review status: criteria provided, single submitter. Criteria: Ambry Variant Classification Scheme 2023. Collection method: clinical testing. Allele origin: germline.
Comment: The p.G52R variant (also known as c.154G>C), located in coding exon 2 of the ENG gene, results from a G to C substitution at nucleotide position 154. The glycine at codon 52 is replaced by arginine, an amino acid with dissimilar properties. This variant was identified in one individual with epistaxis, telangiectasias, and pulmonary arteriovenous malformations (Wehner LE et al. Clin. Genet., 2006 Mar;69:239-45). This amino acid position is highly conserved in available vertebrate species. In addition, this alteration is predicted to be deleterious by in silico analysis. Based on available evidence to date, the clinical significance of this alteration remains unclear.

Literature cited by the submitters: PubMed 16542389.

NM_001114753.3(ENG):c.154G>C (p.Gly52Arg)

Gene: ENG (endoglin; minus strand). Cytogenetic location: 9q34.11.
Variant type: single nucleotide variant.
Coding change: c.154G>C on transcript NM_001114753.3 (MANE Select); coding-DNA position 154, G replaced by C.
Protein change: p.Gly52Arg; replaces glycine 52 with arginine.
Molecular consequence: missense variant. On other transcripts: 5 prime UTR variant (1).
Genome position (GRCh38, 1-based): chr9:127,843,159, C>G on the plus strand (G>C on the coding strand, the complement: ENG is on the minus strand). VCF-style: chr9-127843159-C-G. GRCh37 (hg19) VCF-style: chr9-130605438-C-G.
Other names: c.154G>C, p.Gly52Arg (NM_000118.4, NM_001406715.1); c.-393G>C (NM_001278138.2); short protein forms G52R.
Identifiers: ClinVar variation 1775025 (VCV001775025.2), dbSNP rs1588596906, ClinGen allele CA374989035.